The following is an entry in ClinVar:

NM_001105206.3(LAMA4):c.3213G>T (p.Gln1071His)

Gene: LAMA4 (laminin subunit alpha 4; minus strand). Cytogenetic location: 6q21.
Variant type: single nucleotide variant.
Coding change: c.3213G>T on transcript NM_001105206.3 (MANE Select); coding-DNA position 3213, G replaced by T.
Protein change: p.Gln1071His; replaces glutamine 1071 with histidine.
Molecular consequence: missense variant.
Genome position (GRCh38, 1-based): chr6:112,139,189, C>A on the plus strand (G>T on the coding strand, the complement: LAMA4 is on the minus strand). VCF-style: chr6-112139189-C-A. GRCh37 (hg19) VCF-style: chr6-112460391-C-A.
Other names: c.3192G>T, p.Gln1064His (NM_001105207.3, NM_002290.5); short protein forms Q1071H, Q1064H.
Identifiers: ClinVar variation 3866209 (VCV003866209.1).
Genomic context (GRCh38, chr6:112,139,189, plus strand): 5'-CATCAGGAGAATAAGGCCGTTGTCAGCTGGTGTTCGAACTTCTATGTCAAAGCGAGTCAC[C>A]TGACCAAATTTCCCTCTCCTTGTGATGTCTCTCACCACGGCATAACCGGAGCCATCGAAG-3'
Protein context (NP_001098676.2, residues 1061-1081): RDITRRGKFG[Gln1071His]VTRFDIEVRT

ClinVar aggregate classification (germline): Uncertain significance (1 of 4 stars; one submission).

Conditions:
Cardiovascular phenotype. Identifiers: MedGen CN230736.

gnomAD v4.1: 5 of 1,614,070 alleles (0.00031%); highest among the groups gnomAD compares: Non-Finnish European, 0.00042%; no homozygotes.

Submission:

Ambry Genetics
Classification: Uncertain significance for Cardiovascular phenotype. Last evaluated: 2025-01-13. Review status: criteria provided, single submitter. Criteria: Ambry Variant Classification Scheme 2023. Collection method: clinical testing. Allele origin: germline.
Comment: The p.Q1064H variant (also known as c.3192G>T), located in coding exon 23 of the LAMA4 gene, results from a G to T substitution at nucleotide position 3192. The glutamine at codon 1064 is replaced by histidine, an amino acid with highly similar properties. This amino acid position is conserved. In addition, this alteration is predicted to be tolerated by in silico analysis. Based on the available evidence, the clinical significance of this variant remains unclear.